The following is an entry in ClinVar:

NM_020631.6(PLEKHG5):c.-88+5868C>G

Gene: PLEKHG5 (pleckstrin homology and RhoGEF domain containing G5; minus strand). Cytogenetic location: 1p36.31.
Variant type: single nucleotide variant.
Coding change: c.-88+5868C>G on transcript NM_020631.6 (MANE Select); 5868 bases into the intron after 88 bases upstream of the start codon, C replaced by G.
Molecular consequence: intron variant.
Genome position (GRCh38, 1-based): chr1:6,485,769, G>C on the plus strand (C>G on the coding strand, the complement: PLEKHG5 is on the minus strand). VCF-style: chr1-6485769-G-C. GRCh37 (hg19) VCF-style: chr1-6545829-G-C.
Other names: NC_000001.10:g.6545829G>C; c.-87-8111C>G (NM_198681.4); c.25-8111C>G (NM_001042663.3, NM_001265592.2); c.-88+4676C>G (NM_001265594.3, NM_001042664.2); c.-88+67C>G (NM_001042665.2).
Identifiers: ClinVar variation 667939 (VCV000667939.3), dbSNP rs145141925, ClinGen allele CA17252196.

ClinVar aggregate classification (germline): Benign. Review status: criteria provided, multiple submitters, no conflicts (2 of 4 stars). 2 submissions from 2 submitters: Benign (2). Last evaluated 2018-06-19.

Allele frequency attached by ClinVar (database versions not stated): gnomAD 0.08455 and 0.08529; 1000 Genomes Project 30x 0.07605; 1000 Genomes Project 0.07069; TOPMed 0.07834.
gnomAD v4.1: 28,549 of 556,616 alleles (5.1%); highest among the groups gnomAD compares: African/African-American, 14%; 1,147 homozygotes.

Submissions (3):

GeneDx
Classification: Benign. Last evaluated: 2018-06-19. Review status: criteria provided, single submitter. Criteria: GeneDx Variant Classification (06012015). Collection method: clinical testing. Allele origin: germline. Affected: yes.
Comment: This variant is considered likely benign or benign based on one or more of the following criteria: it is a conservative change, it occurs at a poorly conserved position in the protein, it is predicted to be benign by multiple in silico algorithms, and/or has population frequency not consistent with disease.

Breakthrough Genomics
Classification: Benign. Review status: criteria provided, single submitter. Criteria: ACMG Guidelines, 2015. Collection method: not provided. Allele origin: germline. Inheritance: Autosomal recessive inheritance. Affected: yes.

Dr. Peter K. Rogan Lab, Western University
No classification provided (evidence only). Condition: Ovarian serous cystadenocarcinoma. Review status: no classification provided. Collection method: in vitro. Allele origin: not applicable. Functional consequence: retained intron. Not counted in ClinVar's aggregate classification.